The following is an entry in ClinVar:

NM_001991.5(EZH1):c.1216C>T (p.Arg406Cys)

Gene: EZH1 (enhancer of zeste 1 polycomb repressive complex 2 subunit; minus strand). Cytogenetic location: 17q21.2.
Variant type: single nucleotide variant.
Coding change: c.1216C>T on transcript NM_001991.5 (MANE Select); coding-DNA position 1216, C replaced by T.
Protein change: p.Arg406Cys; replaces arginine 406 with cysteine.
Molecular consequence: missense variant.
Genome position (GRCh38, 1-based): chr17:42,712,474, G>A on the plus strand (C>T on the coding strand, the complement: EZH1 is on the minus strand). VCF-style: chr17-42712474-G-A. GRCh37 (hg19) VCF-style: chr17-40864492-G-A.
Other names: c.1189C>T, p.Arg397Cys (NM_001321081.2); c.1096C>T, p.Arg366Cys (NM_001321082.2); c.1234C>T, p.Arg412Cys (NM_001321079.2); short protein forms R366C, R397C, R406C, R412C.
Identifiers: ClinVar variation 4870736 (VCV004870736.1).

ClinVar aggregate classification (germline): Uncertain significance (1 of 4 stars; one submission).

gnomAD v4.1: 2 of 1,613,564 alleles (0.00012%); highest among the groups gnomAD compares: Non-Finnish European, 0.00017%; no homozygotes.

Submission:

Ambry Genetics
Classification: Uncertain significance. Last evaluated: 2026-03-27. Review status: criteria provided, single submitter. Criteria: Ambry Variant Classification Scheme 2023. Collection method: clinical testing. Allele origin: germline.
Comment: The c.1216C>T (p.R406C) alteration is located in exon 12 (coding exon 10) of the EZH1 gene. This alteration results from a C to T substitution at nucleotide position 1216, causing the arginine (R) at amino acid position 406 to be replaced by a cysteine (C). Based on data from gnomAD, the T allele has an overall frequency of <0.001% (1/249886) total alleles studied. The highest observed frequency was 0.001% (1/112800) of European (non-Finnish) alleles. Based on insufficient or conflicting evidence, the clinical significance of this alteration remains unclear.